The following is an entry in ClinVar:

ClinVar aggregate classification (germline): Likely benign (1 of 4 stars; one submission).

Allele frequency attached by ClinVar (database versions not stated): gnomAD exomes 0.00001; gnomAD 0.00005; TOPMed 0.00005.
gnomAD v4.1: 16 of 1,609,466 alleles (0.00099%); highest among the groups gnomAD compares: African/African-American, 0.019%; no homozygotes.

Submission:

CeGaT Center for Human Genetics Tuebingen
Classification: Likely benign. Last evaluated: 2023-05-01. Review status: criteria provided, single submitter. Criteria: CeGaT Center For Human Genetics Tuebingen Variant Classification Criteria Version 2. Collection method: clinical testing. Allele origin: germline. Affected: yes. Observed: 1 variant allele.
Comment: GRIK2: BP4, BP7

NM_021956.5(GRIK2):c.2145A>C (p.Ser715=)

Gene: GRIK2 (glutamate ionotropic receptor kainate type subunit 2; plus strand). Cytogenetic location: 6q16.3.
Variant type: single nucleotide variant.
Coding change: c.2145A>C on transcript NM_021956.5 (MANE Select); coding-DNA position 2145, A replaced by C.
Protein change: p.Ser715=; no amino-acid change (serine 715 retained).
Molecular consequence: synonymous variant.
Genome position (GRCh38, 1-based): chr6:102,035,400, A>C. VCF-style: chr6-102035400-A-C. GRCh37 (hg19) VCF-style: chr6-102483275-A-C.
Other names: c.2145A>C, p.Ser715= (NM_001166247.1, NM_175768.3).
Identifiers: ClinVar variation 2571258 (VCV002571258.27), dbSNP rs34118403, ClinGen allele CA144687529.
Genomic context (GRCh38, chr6:102,035,400, plus strand): 5'-GAAATCAAAAATCTCCACGTATGACAAAATGTGGGCCTTTATGAGTAGCAGAAGGCAGTC[A>C]GTGCTGGTCAAAAGTAATGAAGAAGGAATCCAGCGAGTCCTCACCTCTGATTATGCTTTC-3'
Protein context (NP_068775.1, residues 705-725): MWAFMSSRRQ[Ser715=]VLVKSNEEGI